The following is an entry in ClinVar:

ClinVar aggregate classification (germline): Uncertain significance (1 of 4 stars; one submission).

Conditions:
Baller-Gerold syndrome (BGS). Also called: CRANIOSYNOSTOSIS WITH RADIAL DEFECTS. Identifiers: Orphanet 1225, MedGen C0265308, MONDO:0009039, OMIM 218600.

Submission:

Labcorp Genetics (formerly Invitae), Labcorp
Classification: Uncertain significance for Baller-Gerold syndrome. Last evaluated: 2021-11-05. Review status: criteria provided, single submitter. Criteria: Invitae Variant Classification Sherloc (09022015). Collection method: clinical testing. Allele origin: germline.
Comment: In summary, the available evidence is currently insufficient to determine the role of this variant in disease. Therefore, it has been classified as a Variant of Uncertain Significance. Experimental studies and prediction algorithms are not available or were not evaluated, and the functional significance of this variant is currently unknown. This variant has not been reported in the literature in individuals affected with RECQL4-related conditions. This variant is not present in population databases (gnomAD no frequency). This sequence change replaces histidine, which is basic and polar, with aspartic acid, which is acidic and polar, at codon 833 of the RECQL4 protein (p.His833Asp).

NM_004260.4(RECQL4):c.2497C>G (p.His833Asp)

Gene: RECQL4 (RecQ like helicase 4; minus strand). Cytogenetic location: 8q24.3.
Variant type: single nucleotide variant.
Coding change: c.2497C>G on transcript NM_004260.4 (MANE Select); coding-DNA position 2497, C replaced by G.
Protein change: p.His833Asp; replaces histidine 833 with aspartic acid.
Molecular consequence: missense variant.
Genome position (GRCh38, 1-based): chr8:144,513,105, G>C on the plus strand (C>G on the coding strand, the complement: RECQL4 is on the minus strand). VCF-style: chr8-144513105-G-C. GRCh37 (hg19) VCF-style: chr8-145738488-G-C.
Other names: short protein forms H833D.
Identifiers: ClinVar variation 1424699 (VCV001424699.4), dbSNP rs2130673512, ClinGen allele CA372677409.